The following is an entry in ClinVar:

NM_173630.4(RTTN):c.4303-8A>C

Gene: RTTN (rotatin; minus strand). Cytogenetic location: 18q22.2.
Variant type: single nucleotide variant.
Coding change: c.4303-8A>C on transcript NM_173630.4 (MANE Select); 8 bases into the intron before coding-DNA position 4303, A replaced by C.
Molecular consequence: intron variant.
Genome position (GRCh38, 1-based): chr18:70,086,692, T>G on the plus strand (A>C on the coding strand, the complement: RTTN is on the minus strand). VCF-style: chr18-70086692-T-G. GRCh37 (hg19) VCF-style: chr18-67753928-T-G.
Other names: c.1567-8A>C (NM_001318520.2).
Identifiers: ClinVar variation 3349180 (VCV003349180.1).

ClinVar aggregate classification (germline): Likely benign (0 of 4 stars; one submission).

Conditions:
RTTN-related disorder. Also called: RTTN-related condition.

gnomAD v4.1: 4 of 170,708 alleles (0.0023%); highest among the groups gnomAD compares: South Asian, 0.013%; no homozygotes.

Submission:

PreventionGenetics, part of Exact Sciences
Classification: Likely benign for RTTN-related condition. Last evaluated: 2024-04-17. Review status: no assertion criteria provided. Collection method: clinical testing. Allele origin: germline.
Comment: This variant is classified as likely benign based on ACMG/AMP sequence variant interpretation guidelines (Richards et al. 2015 PMID: 25741868, with internal and published modifications).